The following is an entry in ClinVar:

NM_001375405.1(CEP120):c.362A>G (p.Lys121Arg)

Gene: CEP120 (centrosomal protein 120; minus strand). Cytogenetic location: 5q23.2.
Variant type: single nucleotide variant.
Coding change: c.362A>G on transcript NM_001375405.1 (MANE Select); coding-DNA position 362, A replaced by G.
Protein change: p.Lys121Arg; replaces lysine 121 with arginine.
Molecular consequence: missense variant. On other transcripts: 5 prime UTR variant (2), non-coding transcript variant (1).
Genome position (GRCh38, 1-based): chr5:123,412,500, T>C on the plus strand (A>G on the coding strand, the complement: CEP120 is on the minus strand). VCF-style: chr5-123412500-T-C. GRCh37 (hg19) VCF-style: chr5-122748194-T-C.
Other names: p.Lys121Arg; c.284A>G, p.Lys95Arg (NM_001166226.2); c.362A>G, p.Lys121Arg (NM_001375406.1, NM_001375407.1, NM_153223.4); c.-387A>G (NM_001375408.1); c.-329A>G (NM_001375409.1); short protein forms K121R, K95R.
Identifiers: ClinVar variation 476166 (VCV000476166.16), dbSNP rs147273517, ClinGen allele CA3387258.

ClinVar aggregate classification (germline): Benign/Likely benign. Review status: criteria provided, multiple submitters, no conflicts (2 of 4 stars). 4 submissions from 4 submitters: Benign (2); Likely benign (2). Last evaluated 2026-01-28.

Conditions:
Short-rib thoracic dysplasia 13 with or without polydactyly (SRTD13). Identifiers: Orphanet 474, MedGen C4225378, MONDO:0014577, OMIM 616300.

Allele frequency attached by ClinVar (database versions not stated): gnomAD exomes 0.00046 and 0.00125; ExAC 0.00143; gnomAD 0.00487 and 0.00512; ESP Exome Variant Server 0.00526; TOPMed 0.00526; 1000 Genomes Project 0.00539; 1000 Genomes Project 30x 0.00609.
gnomAD v4.1: 1,431 of 1,611,802 alleles (0.089%); highest among the groups gnomAD compares: African/African-American, 1.7%; 13 homozygotes.

Submissions (4):

Labcorp Genetics (formerly Invitae), Labcorp
Classification: Benign for Short-rib thoracic dysplasia 13 with or without polydactyly. Last evaluated: 2026-01-28. Review status: criteria provided, single submitter. Criteria: Invitae Variant Classification Sherloc (09022015). Collection method: clinical testing. Allele origin: germline.

Mayo Clinic Laboratories, Mayo Clinic
Classification: Benign. Last evaluated: 2025-10-17. Review status: criteria provided, single submitter. Criteria: ACMG Guidelines, 2015. Collection method: clinical testing. Allele origin: germline. Observed: 1 variant allele.
Comment: BS1, BS2, BP4_moderate

Blueprint Genetics
Classification: Likely benign. Last evaluated: 2024-11-13. Review status: criteria provided, single submitter. Criteria: ACMG Guidelines, 2015. Collection method: clinical testing. Allele origin: germline.

GeneDx
Classification: Likely benign. Last evaluated: 2021-04-22. Review status: criteria provided, single submitter. Criteria: GeneDx Variant Classification Process June 2021. Collection method: clinical testing. Allele origin: germline. Affected: yes.